The following is an entry in ClinVar:

ClinVar aggregate classification (germline): Likely pathogenic (1 of 4 stars; one submission).

Conditions:
Atypical hemolytic-uremic syndrome. Identifiers: Orphanet 2134, MedGen C2931788, MONDO:0016244.

gnomAD v4.1: 2 of 1,608,862 alleles (0.00012%); highest among the groups gnomAD compares: Non-Finnish European, 0.00017%; no homozygotes.

Submission:

Genomenon, Inc
Classification: Likely pathogenic for Atypical hemolytic-uremic syndrome. Last evaluated: 2025-10-02. Review status: criteria provided, single submitter. Criteria: Genomenon Sequence Variant Interpretation Standards. Collection method: curation. Allele origin: germline. Affected: yes.
Comment: CD46 p.Pro165Ser (c.493C>T) is a missense variant that changes the amino acid at residue 165 from Proline to Serine. This variant has been observed in at least one proband affected with atypical hemolytic-uremic syndrome (PMID:38403763;15661753;26826462). The variant was found to segregate with disease in at least one affected family (PMID:16386793). It is absent or not present at a significant frequency in gnomAD. In silico models agree that this variant is possibly or probably damaging. In conclusion, we classify CD46 p.Pro165Ser (c.493C>T) as a likely pathogenic variant.

Literature cited by the submitters: PubMed 38403763; PubMed 15661753; PubMed 26826462; PubMed 16386793.

NM_172351.3(CD46):c.493C>T (p.Pro165Ser)

Gene: CD46 (CD46 molecule; plus strand). Cytogenetic location: 1q32.2.
Variant type: single nucleotide variant.
Coding change: c.493C>T on transcript NM_172351.3 (MANE Select); coding-DNA position 493, C replaced by T.
Protein change: p.Pro165Ser; replaces proline 165 with serine.
Molecular consequence: missense variant.
Genome position (GRCh38, 1-based): chr1:207,761,266, C>T. VCF-style: chr1-207761266-C-T. GRCh37 (hg19) VCF-style: chr1-207934611-C-T.
Other names: c.493C>T, p.Pro165Ser (NM_002389.4, NM_153826.4, NM_172350.3 and 8 more transcripts); short protein forms P165S.
Identifiers: ClinVar variation 4291283 (VCV004291283.1).